The following is an entry in ClinVar:

NM_001195263.2(PDZD7):c.2034G>A (p.Pro678=)

Gene: PDZD7 (PDZ domain containing 7; minus strand). Cytogenetic location: 10q24.31.
Variant type: single nucleotide variant.
Coding change: c.2034G>A on transcript NM_001195263.2 (MANE Select); coding-DNA position 2034, G replaced by A.
Protein change: p.Pro678=; no amino-acid change (proline 678 retained).
Molecular consequence: synonymous variant.
Genome position (GRCh38, 1-based): chr10:101,010,855, C>T on the plus strand (G>A on the coding strand, the complement: PDZD7 is on the minus strand). VCF-style: chr10-101010855-C-T. GRCh37 (hg19) VCF-style: chr10-102770612-C-T.
Other names: c.2034G>A (NM_001195263.1).
Identifiers: ClinVar variation 1945581 (VCV001945581.6), dbSNP rs1464365601, ClinGen allele CA595494301.

ClinVar aggregate classification (germline): Likely benign. Review status: criteria provided, multiple submitters, no conflicts (2 of 4 stars). 2 submissions from 2 submitters: Likely benign (2). Last evaluated 2026-08-24.

Conditions:
PDZD7-related disorder. Also called: PDZD7-related condition; PDZD7-related disorders.

Allele frequency attached by ClinVar (database versions not stated): TOPMed below 0.00001.
gnomAD v4.1: 4 of 1,534,480 alleles (0.00026%); highest among the groups gnomAD compares: East Asian, 0.0024%; no homozygotes.

Submissions (2):

PreventionGenetics, part of Exact Sciences
Classification: Likely benign for PDZD7-related condition. Last evaluated: 2026-08-24. Review status: criteria provided, single submitter. Criteria: ACMG Guidelines, 2015. Collection method: clinical testing. Allele origin: germline.
Comment: This variant is classified as likely benign based on ACMG/AMP sequence variant interpretation guidelines (Richards et al. 2015 PMID: 25741868, with internal and published modifications).

Labcorp Genetics (formerly Invitae), Labcorp
Classification: Likely benign. Last evaluated: 2025-03-17. Review status: criteria provided, single submitter. Criteria: Invitae Variant Classification Sherloc (09022015). Collection method: clinical testing. Allele origin: germline.